The following is an entry in ClinVar:

ClinVar aggregate classification (germline): Benign (1 of 4 stars; one submission).

Conditions:
Melanoma-pancreatic cancer syndrome. Identifiers: Orphanet 404560, MedGen C1838547, MONDO:0011713, OMIM 606719. Disease mechanism: loss of function.

gnomAD v4.1: 2 of 1,603,720 alleles (0.00012%); highest among the groups gnomAD compares: Non-Finnish European, 0.00017%; no homozygotes.

Submission:

Myriad Genetics, Inc.
Classification: Benign for Melanoma-pancreatic cancer syndrome. Last evaluated: 2025-08-18. Review status: criteria provided, single submitter. Criteria: Myriad Autosomal Dominant, Autosomal Recessive and X-Linked Classification Criteria (2023). Collection method: clinical testing. Allele origin: unknown.
Comment: This variant is considered benign. This variant is intronic and is not expected to impact mRNA splicing.

NM_000077.5(CDKN2A):c.458-50C>G

Gene: CDKN2A (cyclin dependent kinase inhibitor 2A; minus strand). Cytogenetic location: 9p21.3.
Variant type: single nucleotide variant.
Coding change: c.458-50C>G on transcript NM_000077.5 (MANE Select); 50 bases into the intron before coding-DNA position 458, C replaced by G.
Molecular consequence: intron variant.
Genome position (GRCh38, 1-based): chr9:21,968,292, G>C on the plus strand (C>G on the coding strand, the complement: CDKN2A is on the minus strand). VCF-style: chr9-21968292-G-C. GRCh37 (hg19) VCF-style: chr9-21968291-G-C.
Other names: c.305-50C>G (NM_001363763.2); c.*102-50C>G (NM_058195.4); c.*151-50C>G (NM_001195132.2); c.*381-50C>G (NM_058197.5).
Identifiers: ClinVar variation 4294118 (VCV004294118.1).
Genomic context (GRCh38, chr9:21,968,292, plus strand): 5'-ATCGGGGATGTCTGCAGAGGGCAGAAAGAAAACAGGCGTTAGAAACCTGAGGTCAAAGAT[G>C]TGTGGCACATCCCGCCCTCCTCTCTTGCCGTCCCTACCGGCATTGAAATACTTATGGATA-3'